The following is an entry in ClinVar:

NM_005251.3(FOXC2):c.1093C>T (p.Pro365Ser)

Gene: FOXC2 (forkhead box C2; plus strand). Cytogenetic location: 16q24.1.
Variant type: single nucleotide variant.
Coding change: c.1093C>T on transcript NM_005251.3 (MANE Select); coding-DNA position 1093, C replaced by T.
Protein change: p.Pro365Ser; replaces proline 365 with serine.
Molecular consequence: missense variant.
Genome position (GRCh38, 1-based): chr16:86,568,428, C>T. VCF-style: chr16-86568428-C-T. GRCh37 (hg19) VCF-style: chr16-86602034-C-T.
Other names: c.1093C>T (NM_005251.2); short protein forms P365S.
Identifiers: ClinVar variation 2142674 (VCV002142674.5), dbSNP rs908900424, ClinGen allele CA285808055.

ClinVar aggregate classification (germline): Uncertain significance. Review status: criteria provided, multiple submitters, no conflicts (2 of 4 stars). 2 submissions from 2 submitters: Uncertain significance (2). Last evaluated 2022-07-22.

Conditions:
Inborn genetic diseases. Identifiers: MedGen C0950123, MeSH D030342.

Allele frequency attached by ClinVar (database versions not stated): gnomAD 0.00005; TOPMed 0.00008; gnomAD exomes 0.00013.

Submissions (2):

Labcorp Genetics (formerly Invitae), Labcorp
Classification: Uncertain significance. Last evaluated: 2022-07-22. Review status: criteria provided, single submitter. Criteria: Invitae Variant Classification Sherloc (09022015). Collection method: clinical testing. Allele origin: germline.
Comment: This sequence change replaces proline, which is neutral and non-polar, with serine, which is neutral and polar, at codon 365 of the FOXC2 protein (p.Pro365Ser). The frequency data for this variant in the population databases is considered unreliable, as metrics indicate poor data quality at this position in the gnomAD database. This variant has not been reported in the literature in individuals affected with FOXC2-related conditions. Algorithms developed to predict the effect of missense changes on protein structure and function (SIFT, PolyPhen-2, Align-GVGD) all suggest that this variant is likely to be tolerated. In summary, the available evidence is currently insufficient to determine the role of this variant in disease. Therefore, it has been classified as a Variant of Uncertain Significance.

Ambry Genetics
Classification: Uncertain significance for Inborn genetic diseases. Last evaluated: 2022-03-29. Review status: criteria provided, single submitter. Criteria: Ambry Variant Classification Scheme 2023. Collection method: clinical testing. Allele origin: germline.